The following is an entry in ClinVar:

NM_020964.3(EPG5):c.7226+2T>C

Gene: EPG5 (ectopic P-granules 5 autophagy tethering factor; minus strand). Cytogenetic location: 18q12.3.
Variant type: single nucleotide variant.
Coding change: c.7226+2T>C on transcript NM_020964.3 (MANE Select); the canonical splice donor site of the intron after coding-DNA position 7226, T replaced by C.
Molecular consequence: splice donor variant.
Genome position (GRCh38, 1-based): chr18:45,858,564, A>G on the plus strand (T>C on the coding strand, the complement: EPG5 is on the minus strand). VCF-style: chr18-45858564-A-G. GRCh37 (hg19) VCF-style: chr18-43438529-A-G.
Other names: c.7226+2T>C (NM_001410858.1); c.7223+2T>C (NM_001410859.1).
Identifiers: ClinVar variation 2633324 (VCV002633324.1), dbSNP rs1599426021, ClinGen allele CA402336240.

ClinVar aggregate classification (germline): Likely pathogenic (1 of 4 stars; one submission).

Conditions:
EPG5-related disorder. Also called: EPG5-related condition. Identifiers: MedGen CN381528.

Submission:

PreventionGenetics, part of Exact Sciences
Classification: Likely pathogenic for EPG5-related condition. Last evaluated: 2023-05-16. Review status: criteria provided, single submitter. Criteria: ACMG Guidelines, 2015. Collection method: clinical testing. Allele origin: germline.
Comment: The EPG5 c.7226+2T>C variant is predicted to disrupt the GT donor site and interfere with normal splicing. To our knowledge, this variant has not been reported in the literature or in a large population database, indicating this variant is rare. Variants that disrupt the consensus splice donor site in EPG5 are expected to be pathogenic. This variant is interpreted as likely pathogenic.